The following is an entry in ClinVar:

NM_031885.5(BBS2):c.1911-1G>C

Gene: BBS2 (Bardet-Biedl syndrome 2; minus strand). Cytogenetic location: 16q13.
Variant type: single nucleotide variant.
Coding change: c.1911-1G>C on transcript NM_031885.5 (MANE Select); the canonical splice acceptor site of the intron before coding-DNA position 1911, G replaced by C.
Molecular consequence: splice acceptor variant.
Genome position (GRCh38, 1-based): chr16:56,485,739, C>G on the plus strand (G>C on the coding strand, the complement: BBS2 is on the minus strand). VCF-style: chr16-56485739-C-G. GRCh37 (hg19) VCF-style: chr16-56519651-C-G.
Other names: c.1911-1G>C (NM_001377456.1).
Identifiers: ClinVar variation 1940262 (VCV001940262.5), dbSNP rs1555520256, ClinGen allele CA395973866.

ClinVar aggregate classification (germline): Likely pathogenic (1 of 4 stars; one submission).

Conditions:
Bardet-Biedl syndrome (BBS). Identifiers: Orphanet 110, MedGen C0752166, MONDO:0015229.

Submission:

Labcorp Genetics (formerly Invitae), Labcorp
Classification: Likely pathogenic for Bardet-Biedl syndrome. Last evaluated: 2021-12-27. Review status: criteria provided, single submitter. Criteria: Invitae Variant Classification Sherloc (09022015). Collection method: clinical testing. Allele origin: germline.
Comment: In summary, the currently available evidence indicates that the variant is pathogenic, but additional data are needed to prove that conclusively. Therefore, this variant has been classified as Likely Pathogenic. Algorithms developed to predict the effect of sequence changes on RNA splicing suggest that this variant may disrupt the consensus splice site. Disruption of this splice site has been observed in individual(s) with clinical features of Bardet-Biedl syndrome (Invitae). This variant is not present in population databases (gnomAD no frequency). This sequence change affects an acceptor splice site in intron 15 of the BBS2 gene. It is expected to disrupt RNA splicing. Variants that disrupt the donor or acceptor splice site typically lead to a loss of protein function (PMID: 16199547), and loss-of-function variants in BBS2 are known to be pathogenic (PMID: 11285252, 20177705, 24608809, 26518167).

Literature cited by the submitters: PubMed 16199547; PubMed 11285252; PubMed 20177705; PubMed 24608809; PubMed 26518167.